The following is an entry in ClinVar:

ClinVar aggregate classification (germline): Uncertain significance (1 of 4 stars; one submission).

Conditions:
Familial thoracic aortic aneurysm and aortic dissection (TAAD). Also called: Thoracic aortic aneurysms and dissections. Identifiers: Orphanet 91387, MedGen C4707243, MONDO:0019625.

Allele frequency attached by ClinVar (database versions not stated): gnomAD exomes below 0.00001.
gnomAD v4.1: 1 of 1,614,020 alleles (0.000062%); highest among the groups gnomAD compares: Non-Finnish European, 0.000085%; no homozygotes.

Submission:

Color Diagnostics, LLC DBA Color Health
Classification: Uncertain significance for Familial thoracic aortic aneurysm and aortic dissection. Last evaluated: 2024-03-07. Review status: criteria provided, single submitter. Criteria: ACMG Guidelines, 2015. Collection method: clinical testing. Allele origin: germline.
Comment: This missense variant replaces isoleucine with valine at codon 1085 of the MYH11 protein. Computational prediction suggests that this variant may not impact protein structure and function (internally defined REVEL score threshold <= 0.5, PMID: 27666373). To our knowledge, functional studies have not been reported for this variant. This variant has not been reported in individuals affected with MYH11-related disorders in the literature. This variant has not been identified in the general population by the Genome Aggregation Database (gnomAD). The available evidence is insufficient to determine the role of this variant in disease conclusively. Therefore, this variant is classified as a Variant of Uncertain Significance.

NM_002474.3(MYH11):c.3232A>G (p.Ile1078Val)

Gene: MYH11 (myosin heavy chain 11; minus strand). Cytogenetic location: 16p13.11.
Variant type: single nucleotide variant.
Coding change: c.3232A>G on transcript NM_002474.3 (MANE Select); coding-DNA position 3232, A replaced by G.
Protein change: p.Ile1078Val; replaces isoleucine 1078 with valine.
Molecular consequence: missense variant.
Genome position (GRCh38, 1-based): chr16:15,737,510, T>C on the plus strand (A>G on the coding strand, the complement: MYH11 is on the minus strand). VCF-style: chr16-15737510-T-C. GRCh37 (hg19) VCF-style: chr16-15831367-T-C.
Other names: c.3253A>G, p.Ile1085Val (NM_001040113.2, NM_001040114.2); c.3232A>G, p.Ile1078Val (NM_022844.3); short protein forms I1078V, I1085V.
Identifiers: ClinVar variation 2773829 (VCV002773829.2), dbSNP rs2151244126, ClinGen allele CA394862972.